The following is an entry in ClinVar:

NM_004944.4(DNASE1L3):c.415T>C (p.Phe139Leu)

Gene: DNASE1L3 (deoxyribonuclease 1L3; minus strand). Cytogenetic location: 3p14.3.
Variant type: single nucleotide variant.
Coding change: c.415T>C on transcript NM_004944.4 (MANE Select); coding-DNA position 415, T replaced by C.
Protein change: p.Phe139Leu; replaces phenylalanine 139 with leucine.
Molecular consequence: missense variant.
Genome position (GRCh38, 1-based): chr3:58,204,787, A>G on the plus strand (T>C on the coding strand, the complement: DNASE1L3 is on the minus strand). VCF-style: chr3-58204787-A-G. GRCh37 (hg19) VCF-style: chr3-58190514-A-G.
Other names: c.325T>C, p.Phe109Leu (NM_001256560.2); short protein forms F139L, F109L.
Identifiers: ClinVar variation 1349110 (VCV001349110.7), dbSNP rs372683613, ClinGen allele CA75475286.
Genomic context (GRCh38, chr3:58,204,787, plus strand): 5'-CGTTGGGGAGGTCCCAGACAGAAAGGCCTGTGTGGGTCTTACCAGTGTGGGGAGATTGGA[A>G]CCAGACCACAAAGGGCTCCCTGGAAAACACATCTGCGTCTCCATCCTGATAGTCATGGTA-3'
Protein context (NP_004935.1, residues 129-149): VFSREPFVVW[Phe139Leu]QSPHTAVKDF

ClinVar aggregate classification (germline): Uncertain significance (1 of 4 stars; one submission).

Allele frequency attached by ClinVar (database versions not stated): gnomAD exomes below 0.00001 and 0.00001; TOPMed below 0.00001; gnomAD 0.00001.
gnomAD v4.1: 5 of 1,614,036 alleles (0.00031%); highest among the groups gnomAD compares: East Asian, 0.0022%; no homozygotes.

Submission:

Labcorp Genetics (formerly Invitae), Labcorp
Classification: Uncertain significance. Last evaluated: 2025-03-18. Review status: criteria provided, single submitter. Criteria: Invitae Variant Classification Sherloc (09022015). Collection method: clinical testing. Allele origin: germline.
Comment: This sequence change replaces phenylalanine, which is neutral and non-polar, with leucine, which is neutral and non-polar, at codon 139 of the DNASE1L3 protein (p.Phe139Leu). This variant is present in population databases (rs372683613, gnomAD 0.006%). This variant has not been reported in the literature in individuals affected with DNASE1L3-related conditions. ClinVar contains an entry for this variant (Variation ID: 1349110). An algorithm developed to predict the effect of missense changes on protein structure and function (PolyPhen-2) suggests that this variant is likely to be disruptive. In summary, the available evidence is currently insufficient to determine the role of this variant in disease. Therefore, it has been classified as a Variant of Uncertain Significance.